The following is an entry in ClinVar:

NM_000379.4(XDH):c.2031A>T (p.Glu677Asp)

Gene: XDH (xanthine dehydrogenase; minus strand). Cytogenetic location: 2p23.1.
Variant type: single nucleotide variant.
Coding change: c.2031A>T on transcript NM_000379.4 (MANE Select); coding-DNA position 2031, A replaced by T.
Protein change: p.Glu677Asp; replaces glutamic acid 677 with aspartic acid.
Molecular consequence: missense variant.
Genome position (GRCh38, 1-based): chr2:31,368,610, T>A on the plus strand (A>T on the coding strand, the complement: XDH is on the minus strand). VCF-style: chr2-31368610-T-A. GRCh37 (hg19) VCF-style: chr2-31591476-T-A.
Other names: short protein forms E677D.
Identifiers: ClinVar variation 1917158 (VCV001917158.5), dbSNP rs758610981, ClinGen allele CA1598981.

ClinVar aggregate classification (germline): Uncertain significance (1 of 4 stars; one submission).

Conditions:
Xanthinuria type II. Also called: Xanthine dehydrogenase and aldehyde oxidase combined deficiency of; XDH and AOX dual deficiency. Identifiers: Orphanet 3467, Orphanet 93602, MedGen C1863688, MONDO:0011346, OMIM 603592.

Allele frequency attached by ClinVar (database versions not stated): gnomAD exomes 0.00001; gnomAD 0.00002; TOPMed 0.00002; ExAC 0.00005.
gnomAD v4.1: 11 of 1,614,074 alleles (0.00068%); highest among the groups gnomAD compares: East Asian, 0.025%; no homozygotes.

Submission:

Labcorp Genetics (formerly Invitae), Labcorp
Classification: Uncertain significance for Xanthinuria type II. Last evaluated: 2024-06-03. Review status: criteria provided, single submitter. Criteria: Invitae Variant Classification Sherloc (09022015). Collection method: clinical testing. Allele origin: germline.
Comment: This sequence change replaces glutamic acid, which is acidic and polar, with aspartic acid, which is acidic and polar, at codon 677 of the XDH protein (p.Glu677Asp). This variant is present in population databases (rs758610981, gnomAD 0.07%). This variant has not been reported in the literature in individuals affected with XDH-related conditions. ClinVar contains an entry for this variant (Variation ID: 1917158). An algorithm developed to predict the effect of missense changes on protein structure and function (PolyPhen-2) suggests that this variant is likely to be disruptive. In summary, the available evidence is currently insufficient to determine the role of this variant in disease. Therefore, it has been classified as a Variant of Uncertain Significance.